The following is an entry in ClinVar:

ClinVar aggregate classification (germline): Pathogenic/Likely pathogenic. Review status: criteria provided, multiple submitters, no conflicts (2 of 4 stars). 9 submissions from 9 submitters: Pathogenic (7); Likely pathogenic (1). 1 of the submissions does not count toward it. Last evaluated 2026-03-18.

Conditions:
PKD1-related disorder. Also called: PKD1-related condition.
Polycystic kidney disease, adult type (PKD1). Also called: POLYCYSTIC KIDNEY DISEASE 1 WITH OR WITHOUT POLYCYSTIC LIVER DISEASE; POLYCYSTIC KIDNEY DISEASE, ADULT, TYPE I; Polycystic Kidney Disease 1, Autosomal Dominant; Polycystic kidney disease 1; Polycystic kidney disease 1, severe; Polycystic Kidney, Autosomal Dominant. Identifiers: MedGen C3149841, MONDO:0008263, OMIM 173900.
Polycystic kidney disease. Also called: Kidney, Polycystic; Polycystic kidney dysplasia. Identifiers: HP:0000113, MedGen C0022680, MeSH D007690, MONDO:0020642.

Submissions (9):

PreventionGenetics, part of Exact Sciences
Classification: Pathogenic for PKD1-related condition. Last evaluated: 2026-03-18. Review status: criteria provided, single submitter. Criteria: ACMG Guidelines, 2015. Collection method: clinical testing. Allele origin: germline.
Comment: The PKD1 c.12712C>T variant is predicted to result in premature protein termination (p.Gln4238*). This variant has been reported to be pathogenic for autosomal dominant polycystic kidney disease (ADPKD) (see for example, Kurashige et al. 2015. PubMed ID: 24611717). This variant has not been reported in a large population database (gnomAD), indicating this variant is rare. Nonsense variants in PKD1 are expected to be pathogenic. This variant is interpreted as pathogenic.

Laboratory of Genetics, Children's Clinical University Hospital Latvia
Classification: Pathogenic. Last evaluated: 2025-02-16. Review status: criteria provided, single submitter. Criteria: ACMG Guidelines, 2015. Collection method: clinical testing. Allele origin: germline. Affected: yes.

Victorian Clinical Genetics Services, Murdoch Childrens Research Institute
Classification: Pathogenic for Polycystic kidney disease, adult type. Last evaluated: 2024-12-30. Review status: criteria provided, single submitter. Criteria: ACMG Guidelines, 2015. Collection method: clinical testing. Allele origin: germline. Affected: yes.
Comment: This variant is classified as Pathogenic. Evidence in support of pathogenic classification: Variant is predicted to result in a truncated protein (premature termination codon is NOT located at least 54 nucleotides upstream of the final exon-exon junction) with less than 1/3 of the protein sequence affected; Variant is absent from gnomAD (v2, v3 and v4); This variant has strong previous evidence of pathogenicity in unrelated individuals. This variant has been classified as likely pathogenic and pathogenic by clinical laboratories in ClinVar and reported in the literature in unrelated individuals with polycystic kidney disease (PMID: 27835667, 30333007); Other protein truncating variants comparable to the one identified in this case have strong previous evidence for pathogenicity. These variants have been reported in individuals with polycystic kidney disease (PKD), and have been classified as likely pathogenic and pathogenic (ClinVar,, PMID: 31740684). Additional information: This variant is heterozygous; This gene is associated with autosomal dominant disease. Polycystic kidney disease 1 (MIM#173900) is predominantly caused by monoallelic variants, with rare reports of biallelic variants causing disease (OMIM); Loss of function is a known mechanism of disease in this gene and is associated with polycystic kidney disease 1 (MIM#173900); Inheritance information for this variant is not currently available in this individual.

Fulgent Genetics
Classification: Pathogenic for Polycystic kidney disease, adult type. Last evaluated: 2024-03-08. Review status: criteria provided, single submitter. Criteria: ACMG Guidelines, 2015. Collection method: clinical testing. Allele origin: germline.

Blueprint Genetics
Classification: Pathogenic for PKD1-related disorders. Last evaluated: 2023-02-13. Review status: criteria provided, single submitter. Criteria: ACMG Guidelines, 2015. Collection method: clinical testing. Allele origin: germline. Affected: yes. Observed: 1 variant allele.

Athena Diagnostics
Classification: Pathogenic. Last evaluated: 2021-10-25. Review status: criteria provided, single submitter. Criteria: Athena Diagnostics Criteria. Collection method: clinical testing. Allele origin: unknown.
Comment: This variant is expected to result in the loss of a functional protein. This variant has not been reported in large, multi-ethnic general populations. This variant has been identified in at least one individual with clinical features associated with this gene. In some published literature, this variant is referred to as c.12712C > T; p.Gln4238Ter.

GeneDx
Classification: Pathogenic. Last evaluated: 2018-08-03. Review status: criteria provided, single submitter. Criteria: GeneDx Variant Classification (06012015). Collection method: clinical testing. Allele origin: germline. Affected: yes.
Comment: The Q4238X variant in the PKD1 gene has been reported previously in association with autosomal dominant polycystic kidney disease (Kurashige et al., 2015; Liu et al., 2015). This variant is predicted to cause loss of normal protein function through protein truncation. The Q4238X variant is not observed in large population cohorts (Lek et al., 2016). We interpret Q4238X as a pathogenic variant.

Juno Genomics, Hangzhou Juno Genomics, Inc
Classification: Likely pathogenic for Polycystic kidney disease, adult type. Review status: criteria provided, single submitter. Criteria: ACMG Guidelines, 2015. Collection method: clinical testing. Allele origin: germline. Affected: yes.
Comment: Null variant in a gene where loss of function (LOF) is a known mechanism of disease.;Absent from controls (or at extremely low frequency if recessive) in Genome Aggregation Database, Exome Sequencing Project, 1000 Genomes Project, or Exome Aggregation Consortium.;The prevalence of the variant in affected individuals is significantly increased compared to the prevalence in controls.;Patient's phenotype or family history is highly specific for a disease with a single genetic etiology.

Department of Pathology and Laboratory Medicine, Sinai Health System
Classification: Likely pathogenic for Polycystic Kidney disease. Review status: no assertion criteria provided. Collection method: clinical testing. Allele origin: unknown. Affected: yes. Study: The Canadian Open Genetics Repository (COGR). Not counted in ClinVar's aggregate classification.
Comment: The PKD1 p.Gln4238X variant was identified in 1 of 98 proband chromosomes (frequency: 0.010) from individuals or families with Autosomal Dominant Polycystic Kidney Disease (ADPKD) (Liu 2015). The variant was also identified in the ADPKD Mutation Database (as â€šÃ„Ãºdefinitely pathogenicâ€šÃ„Ã¹). The variant was not found in dbSNP, Exome Aggregation Consortium database (March 14, 2016), Clinvitae, ClinVar, GeneInsight COGR, MutDB, PKD1-LOVD and PKD1-LOVD 3.0. The variant occurs outside of the splicing consensus sequence and in silico or computational prediction software programs (SpliceSiteFinder, MaxEntScan, NNSPLICE, GeneSplicer, HumanSpliceFinder) do not predict a difference in splicing. The p.Gln4238X variant leads to a premature stop codon at position 4238, which is predicted to lead to a truncated or absent protein and loss of function. Notably, this variant occurs in the last exon of the gene and stop codon or nonsense mutations in this region may not be subjected to nonsense mediated RNA decay, although further study would be required to validate this hypothesis and it is currently not possible to determine whether or not this might influence the severity of the disorder. Loss of function variants of the PKD1 gene are an established mechanism of disease in autosomal dominant polycystic kidney disease and is the type of variant expected to cause the disorder. In summary, based on the above information, the clinical significance of this variant cannot be determined with certainty at this time although we would lean towards a more pathogenic role for this variant. This variant is classified as likely pathogenic.

Literature cited by the submitters: PubMed 30333007 (cited by Victorian Clinical Genetics Services, Murdoch Childrens Research Institute and Athena Diagnostics); PubMed 27835667 (cited by Victorian Clinical Genetics Services, Murdoch Childrens Research Institute); PubMed 31740684 (cited by Victorian Clinical Genetics Services, Murdoch Childrens Research Institute); PubMed 24611717 (cited by Athena Diagnostics); PubMed 26632257 (cited by Athena Diagnostics).

NM_001009944.3(PKD1):c.12712C>T (p.Gln4238Ter)

Gene: PKD1 (polycystin 1, transient receptor potential channel interacting; minus strand). Cytogenetic location: 16p13.3.
Variant type: single nucleotide variant.
Coding change: c.12712C>T on transcript NM_001009944.3 (MANE Select); coding-DNA position 12712, C replaced by T.
Protein change: p.Gln4238Ter; replaces glutamine 4238 with a stop codon.
Molecular consequence: nonsense.
Genome position (GRCh38, 1-based): chr16:2,089,927, G>A on the plus strand (C>T on the coding strand, the complement: PKD1 is on the minus strand). VCF-style: chr16-2089927-G-A. GRCh37 (hg19) VCF-style: chr16-2139928-G-A.
Other names: c.12709C>T, p.Gln4237Ter (NM_000296.4); short protein forms Q4238*, Q4237*.
Identifiers: ClinVar variation 434010 (VCV000434010.17), dbSNP rs1045675831, ClinGen allele CA394320489.